The following is an entry in ClinVar:

NM_004204.5(PIGQ):c.551del (p.Gly184fs)

Gene: PIGQ (phosphatidylinositol glycan anchor biosynthesis class Q; plus strand). Cytogenetic location: 16p13.3.
Variant type: Deletion.
Coding change: c.551del on transcript NM_004204.5 (MANE Select); coding-DNA position 551, one base deleted (G; older notation c.551delG).
Protein change: p.Gly184fs; shifts the reading frame from glycine 184.
Molecular consequence: frameshift variant.
Genome position (GRCh38, 1-based): chr16:574,625, G deleted; the last of 3 consecutive G bases (chr16:574,623-574,625); deleting any one gives the same sequence. VCF-style (leftmost placement, unchanged base first): chr16-574622-AG-A. GRCh37 (hg19) VCF-style: chr16-624622-AG-A.
Other names: c.551del, p.Gly184fs (NM_148920.4); short protein forms G184fs.
Identifiers: ClinVar variation 1387773 (VCV001387773.6), dbSNP rs767373792, ClinGen allele CA7779902.

ClinVar aggregate classification (germline): Pathogenic (1 of 4 stars; one submission).

Conditions:
Epilepsy. Also called: Seizure disorder. Identifiers: MedGen C0014544, MeSH D004827, MONDO:0005027.

Submission:

Labcorp Genetics (formerly Invitae), Labcorp
Classification: Pathogenic for Epilepsy. Last evaluated: 2025-06-18. Review status: criteria provided, single submitter. Criteria: Invitae Variant Classification Sherloc (09022015). Collection method: clinical testing. Allele origin: germline.
Comment: This sequence change creates a premature translational stop signal (p.Gly184Alafs*5) in the PIGQ gene. It is expected to result in an absent or disrupted protein product. Loss-of-function variants in PIGQ are known to be pathogenic (PMID: 24463883, 25558065). This variant is present in population databases (rs767373792, gnomAD 0.008%). This variant has not been reported in the literature in individuals affected with PIGQ-related conditions. ClinVar contains an entry for this variant (Variation ID: 1387773). For these reasons, this variant has been classified as Pathogenic.

Literature cited by the submitters: PubMed 24463883; PubMed 25558065.